The following is an entry in ClinVar:

ClinVar aggregate classification (germline): Likely benign. Review status: criteria provided, multiple submitters, no conflicts (2 of 4 stars). 3 submissions from 3 submitters: Likely benign (2). 1 of the submissions does not count toward it. Last evaluated 2022-07-26.

Conditions:
Brugada syndrome. Also called: Sudden unexpected nocturnal death syndrome; Sudden Unexplained Death Syndrome; Sudden Unexplained Nocturnal Death Syndrome (SUNDS); Sudden unexplained nocturnal death syndrome. Identifiers: Orphanet 130, MedGen C1142166, MONDO:0015263.
SCN10A-related disorder. Also called: SCN10A-related condition.
Cardiovascular phenotype. Identifiers: MedGen CN230736.

Allele frequency attached by ClinVar (database versions not stated): gnomAD exomes below 0.00001; TOPMed 0.00001; ExAC 0.00002; gnomAD 0.00004; 1000 Genomes Project 30x 0.00016; 1000 Genomes Project 0.00020.

Submissions (3):

Labcorp Genetics (formerly Invitae), Labcorp
Classification: Likely benign for Brugada syndrome. Last evaluated: 2022-07-26. Review status: criteria provided, single submitter. Criteria: Invitae Variant Classification Sherloc (09022015). Collection method: clinical testing. Allele origin: germline.

Ambry Genetics
Classification: Likely benign for Cardiovascular phenotype. Last evaluated: 2021-08-31. Review status: criteria provided, single submitter. Criteria: Ambry Variant Classification Scheme 2023. Collection method: clinical testing. Allele origin: germline.

PreventionGenetics, part of Exact Sciences
Classification: Likely benign for SCN10A-related condition. Last evaluated: 2023-08-11. Review status: no assertion criteria provided. Collection method: clinical testing. Allele origin: germline. Not counted in ClinVar's aggregate classification.
Comment: This variant is classified as likely benign based on ACMG/AMP sequence variant interpretation guidelines (Richards et al. 2015 PMID: 25741868, with internal and published modifications).

NM_006514.4(SCN10A):c.3561G>A (p.Glu1187=)

Gene: SCN10A (sodium voltage-gated channel alpha subunit 10; minus strand). Cytogenetic location: 3p22.2.
Variant type: single nucleotide variant.
Coding change: c.3561G>A on transcript NM_006514.4 (MANE Select); coding-DNA position 3561, G replaced by A.
Protein change: p.Glu1187=; no amino-acid change (glutamic acid 1187 retained).
Molecular consequence: synonymous variant.
Genome position (GRCh38, 1-based): chr3:38,718,773, C>T on the plus strand (G>A on the coding strand, the complement: SCN10A is on the minus strand). VCF-style: chr3-38718773-C-T. GRCh37 (hg19) VCF-style: chr3-38760264-C-T.
Other names: c.3561G>A (NM_006514.3); c.3558G>A, p.Glu1186= (NM_001293306.2); c.3267G>A, p.Glu1089= (NM_001293307.2).
Identifiers: ClinVar variation 1732709 (VCV001732709.9), dbSNP rs570037688, ClinGen allele CA2320191.